The following is an entry in ClinVar:

NM_001134407.3(GRIN2A):c.1194C>A (p.Asp398Glu)

Gene: GRIN2A (glutamate ionotropic receptor NMDA type subunit 2A; minus strand). Cytogenetic location: 16p13.2.
Variant type: single nucleotide variant.
Coding change: c.1194C>A on transcript NM_001134407.3 (MANE Select); coding-DNA position 1194, C replaced by A.
Protein change: p.Asp398Glu; replaces aspartic acid 398 with glutamic acid.
Molecular consequence: missense variant.
Genome position (GRCh38, 1-based): chr16:9,849,890, G>T on the plus strand (C>A on the coding strand, the complement: GRIN2A is on the minus strand). VCF-style: chr16-9849890-G-T. GRCh37 (hg19) VCF-style: chr16-9943747-G-T.
Other names: NC_000016.9:g.9943747G>T; c.1194C>A, p.Asp398Glu (NM_000833.5, NM_001134408.2); short protein forms D398E.
Identifiers: ClinVar variation 4417441 (VCV004417441.2).

ClinVar aggregate classification (germline): Uncertain significance (1 of 4 stars; one submission).

Conditions:
Landau-Kleffner syndrome (FESD). Also called: EPILEPSY, FOCAL, WITH SPEECH DISORDER AND WITH OR WITHOUT MENTAL RETARDATION; APHASIA, ACQUIRED, WITH EPILEPSY. Identifiers: Orphanet 1945, Orphanet 725, Orphanet 98818, MedGen C0282512, MONDO:0009509, OMIM 245570.

Submissions (2):

Labcorp Genetics (formerly Invitae), Labcorp
Classification: Uncertain significance for Landau-Kleffner syndrome. Last evaluated: 2026-01-12. Review status: criteria provided, single submitter. Criteria: Invitae Variant Classification Sherloc (09022015). Collection method: clinical testing. Allele origin: germline.
Comment: This sequence change replaces aspartic acid, which is acidic and polar, with glutamic acid, which is acidic and polar, at codon 398 of the GRIN2A protein (p.Asp398Glu). This variant is not present in population databases (gnomAD no frequency). This variant has not been reported in the literature in individuals affected with GRIN2A-related conditions. Invitae Evidence Modeling of protein sequence and biophysical properties (such as structural, functional, and spatial information, amino acid conservation, physicochemical variation, residue mobility, and thermodynamic stability) indicates that this missense variant is not expected to disrupt GRIN2A protein function with a negative predictive value of 95%. In summary, the available evidence is currently insufficient to determine the role of this variant in disease. Therefore, it has been classified as a Variant of Uncertain Significance.

Dr. Peter K. Rogan Lab, Western University
No classification provided (evidence only). Condition: Cholangiocarcinoma. Review status: no classification provided. Collection method: in vitro. Allele origin: not applicable. Functional consequence: retained intron. Not counted in ClinVar's aggregate classification.